The following is an entry in ClinVar:

ClinVar aggregate classification (germline): Conflicting classifications of pathogenicity. Review status: criteria provided, conflicting classifications (1 of 4 stars). 6 submissions from 6 submitters: Uncertain significance (4); Likely benign (2). Last evaluated 2026-07-06.

Conditions:
SMARCA4-related disorder. Also called: SMARCA4-related condition.
Hereditary cancer-predisposing syndrome. Also called: Hereditary Cancer Syndrome; Hereditary neoplastic syndrome; Neoplastic Syndromes, Hereditary; Tumor predisposition. Identifiers: Orphanet 140162, MedGen C0027672, MeSH D009386, MONDO:0015356.
Rhabdoid tumor predisposition syndrome 2 (RTPS2). Identifiers: Orphanet 231108, Orphanet 69077, MedGen C2750074, MONDO:0013224, OMIM 613325.
Intellectual disability, autosomal dominant 16 (CSS4). Also called: COFFIN-SIRIS SYNDROME 4. Identifiers: Orphanet 1465, MedGen C3553249, MONDO:0013821, OMIM 614609.

Allele frequency attached by ClinVar (database versions not stated): gnomAD exomes 0.00005 and 0.00003; gnomAD 0.00006; 1000 Genomes Project 30x 0.00016; TOPMed 0.00007; ExAC 0.00008; 1000 Genomes Project 0.00020.
gnomAD v4.1: 45 of 1,611,502 alleles (0.0028%); highest among the groups gnomAD compares: African/African-American, 0.027%; no homozygotes.

Submissions (6):

Myriad Genetics, Inc.
Classification: Likely benign for Rhabdoid tumor predisposition syndrome 2. Last evaluated: 2026-07-06. Review status: criteria provided, single submitter. Criteria: Myriad Autosomal Dominant, Autosomal Recessive and X-Linked Classification Criteria (2023). Collection method: clinical testing. Allele origin: unknown.
Comment: This variant is considered likely benign. This variant has been observed at a population frequency that is significantly greater than expected given the associated disease prevalence and penetrance.

PreventionGenetics, part of Exact Sciences
Classification: Uncertain significance for SMARCA4-related condition. Last evaluated: 2026-06-24. Review status: criteria provided, single submitter. Criteria: ACMG Guidelines, 2015. Collection method: clinical testing. Allele origin: germline.
Comment: The SMARCA4 c.104C>T variant is predicted to result in the amino acid substitution p.Ser35Leu. To our knowledge, this variant has not been reported in the literature. This variant is reported in 0.039% of alleles in individuals of African descent in gnomAD, which may be too common to be a primary cause of disease. This variant has conflicting interpretations of pathogenicity in ClinVar ranging from benign to uncertain significance. Although we suspect that this variant may be benign, at this time, the clinical significance of this variant is uncertain due to the absence of conclusive functional and genetic evidence.

Labcorp Genetics (formerly Invitae), Labcorp
Classification: Uncertain significance for Rhabdoid tumor predisposition syndrome 2. Last evaluated: 2026-01-14. Review status: criteria provided, single submitter. Criteria: Invitae Variant Classification Sherloc (09022015). Collection method: clinical testing. Allele origin: germline.
Comment: This sequence change replaces serine, which is neutral and polar, with leucine, which is neutral and non-polar, at codon 35 of the SMARCA4 protein (p.Ser35Leu). This variant is present in population databases (rs563079629, gnomAD 0.04%), and has an allele count higher than expected for a pathogenic variant. This variant has not been reported in the literature in individuals affected with SMARCA4-related conditions. ClinVar contains an entry for this variant (Variation ID: 470224). Experimental studies and prediction algorithms are not available or were not evaluated, and the functional significance of this variant is currently unknown. In summary, the available evidence is currently insufficient to determine the role of this variant in disease. Therefore, it has been classified as a Variant of Uncertain Significance.

Ambry Genetics
Classification: Likely benign for Hereditary cancer-predisposing syndrome. Last evaluated: 2025-05-30. Review status: criteria provided, single submitter. Criteria: Ambry Variant Classification Scheme 2023. Collection method: clinical testing. Allele origin: germline.

Revvity Omics, Revvity
Classification: Uncertain significance for Intellectual disability, autosomal dominant 16. Last evaluated: 2021-11-05. Review status: criteria provided, single submitter. Criteria: ACMG Guidelines, 2015. Collection method: clinical testing. Allele origin: germline.

Genome-Nilou Lab
Classification: Uncertain significance for Intellectual disability, autosomal dominant 16. Last evaluated: 2021-07-15. Review status: criteria provided, single submitter. Criteria: ACMG Guidelines, 2015. Collection method: clinical testing. Allele origin: germline. Affected: no.

NM_003072.5(SMARCA4):c.104C>T (p.Ser35Leu)

Gene: SMARCA4 (SWI/SNF related BAF chromatin remodeling complex subunit ATPase 4; plus strand). Cytogenetic location: 19p13.2.
Variant type: single nucleotide variant.
Coding change: c.104C>T on transcript NM_003072.5 (MANE Select); coding-DNA position 104, C replaced by T.
Protein change: p.Ser35Leu; replaces serine 35 with leucine.
Molecular consequence: missense variant. On other transcripts: non-coding transcript variant (1).
Genome position (GRCh38, 1-based): chr19:10,984,255, C>T. VCF-style: chr19-10984255-C-T. GRCh37 (hg19) VCF-style: chr19-11094931-C-T.
Other names: c.104C>T, p.Ser35Leu (NM_001128844.3, NM_001128845.2, NM_001128846.2 and 5 more transcripts); c.104C>T (NM_001128849.2); short protein forms S35L.
Identifiers: ClinVar variation 470224 (VCV000470224.22), dbSNP rs563079629, ClinGen allele CA9203399.